The following is an entry in ClinVar:

ClinVar aggregate classification (germline): Pathogenic (1 of 4 stars; one submission).

Conditions:
Glycine encephalopathy. Also called: Nonketotic hyperglycinemia; Non-ketotic hyperglycinemia. Identifiers: Orphanet 407, MedGen C0751748, MONDO:0011612, HP:0008288.

Submission:

Labcorp Genetics (formerly Invitae), Labcorp
Classification: Pathogenic for Glycine encephalopathy. Last evaluated: 2022-04-06. Review status: criteria provided, single submitter. Criteria: Invitae Variant Classification Sherloc (09022015). Collection method: clinical testing. Allele origin: germline.
Comment: For these reasons, this variant has been classified as Pathogenic. This sequence change affects the initiator methionine of the GLDC mRNA. The next in-frame methionine is located at codon 78. This variant is not present in population databases (gnomAD no frequency). Disruption of the initiator codon has been observed in individual(s) with clinical features of glycine encephalopathy (PMID: 15864413, 28244183). In at least one individual the data is consistent with being in trans (on the opposite chromosome) from a pathogenic variant. It has also been observed to segregate with disease in related individuals. ClinVar contains an entry for this variant (Variation ID: 1072611).

Literature cited by the submitters: PubMed 15864413; PubMed 28244183.

NM_000170.3(GLDC):c.2T>A (p.Met1Lys)

Gene: GLDC (glycine decarboxylase; minus strand). Cytogenetic location: 9p24.1.
Variant type: single nucleotide variant.
Coding change: c.2T>A on transcript NM_000170.3 (MANE Select); coding-DNA position 2, T replaced by A.
Protein change: p.Met1Lys; changes the start codon (methionine 1).
Molecular consequence: missense variant, initiator codon variant.
Genome position (GRCh38, 1-based): chr9:6,645,498, A>T on the plus strand (T>A on the coding strand, the complement: GLDC is on the minus strand). VCF-style: chr9-6645498-A-T. GRCh37 (hg19) VCF-style: chr9-6645498-A-T.
Other names: short protein forms M1K.
Identifiers: ClinVar variation 1072611 (VCV001072611.13), dbSNP rs121964978, ClinGen allele CA372887715.